The following is an entry in ClinVar:

NM_003482.4(KMT2D):c.12309_12310delinsTT (p.Gln4103_Gln4104delinsHisTer)

Gene: KMT2D (lysine methyltransferase 2D; minus strand). Cytogenetic location: 12q13.12.
Variant type: Indel.
Coding change: c.12309_12310delinsTT on transcript NM_003482.4 (MANE Select); coding-DNA positions 12309 to 12310, GC replaced by TT.
Protein change: p.Gln4103_Gln4104delinsHisTer.
Molecular consequence: nonsense.
Genome position (GRCh38, 1-based): chr12:49,032,395-49,032,396, GC replaced by AA on the plus strand (GC replaced by TT on the coding strand, the reverse complement: KMT2D is on the minus strand). VCF-style: chr12-49032395-GC-AA. GRCh37 (hg19) VCF-style: chr12-49426178-GC-AA.
Identifiers: ClinVar variation 1451125 (VCV001451125.6), dbSNP rs2120430888, ClinGen allele CA2573148651.
Genomic context (GRCh38, chr12:49,032,395, plus strand): 5'-ATGATCCACTGCCTAGCTGCCCATGGCTTCCTCCACCTGCTGTGTGGAGCAGGCTAACTT[GC>AA]TGCTGCTGTTGTCCTGGAAGCCTCAGAGGTGGCTGCAGCTGCAGAGAGCTGGGCTGAGGC-3'

ClinVar aggregate classification (germline): Pathogenic (1 of 4 stars; one submission).

Conditions:
Kabuki syndrome. Also called: Kabuki make-up syndrome; NIIKAWA-KUROKI SYNDROME. Identifiers: Orphanet 2322, MedGen C0796004, MONDO:0016512.

Submission:

Labcorp Genetics (formerly Invitae), Labcorp
Classification: Pathogenic for Kabuki syndrome. Last evaluated: 2021-07-05. Review status: criteria provided, single submitter. Criteria: Invitae Variant Classification Sherloc (09022015). Collection method: clinical testing. Allele origin: germline.
Comment: This sequence change creates a premature translational stop signal (p.Gln4103_Gln4104delinsHis*) in the KMT2D gene. It is expected to result in an absent or disrupted protein product. Loss-of-function variants in KMT2D are known to be pathogenic (PMID: 22126750). This variant has not been reported in the literature in individuals affected with KMT2D-related conditions. The frequency data for this variant in the population databases is not available, as this variant may be reported as separate entries in the ExAC database. For these reasons, this variant has been classified as Pathogenic.

Literature cited by the submitters: PubMed 22126750.